The following is an entry in ClinVar:

NM_001387690.1(KATNAL2):c.1516A>G (p.Thr506Ala)

Gene: KATNAL2 (katanin catalytic subunit A1 like 2; plus strand). Cytogenetic location: 18q21.1.
Variant type: single nucleotide variant.
Coding change: c.1516A>G on transcript NM_001387690.1 (MANE Select); coding-DNA position 1516, A replaced by G.
Protein change: p.Thr506Ala; replaces threonine 506 with alanine.
Molecular consequence: missense variant. On other transcripts: non-coding transcript variant (1).
Genome position (GRCh38, 1-based): chr18:47,100,904, A>G. VCF-style: chr18-47100904-A-G. GRCh37 (hg19) VCF-style: chr18-44627275-A-G.
Other names: c.1594A>G, p.Thr532Ala (NM_001353899.1); c.1591A>G, p.Thr531Ala (NM_001353900.1); c.1183A>G, p.Thr395Ala (NM_001353903.1); c.1084A>G, p.Thr362Ala (NM_001353904.1); c.1516A>G, p.Thr506Ala (NM_001367621.1); c.1300A>G, p.Thr434Ala (NM_031303.3); short protein forms T395A, T506A, T531A, T362A, T532A, T434A.
Identifiers: ClinVar variation 1769391 (VCV001769391.2), dbSNP rs2511792848, ClinGen allele CA402394496.
Genomic context (GRCh38, chr18:47,100,904, plus strand): 5'-TACTGTTGTGTTCTTATCCTAGAAAGCAGCGACTTACCCAGGATCCAGTTGGATATAGTA[A>G]CCACTGCCGACTTTCTGGATGTGCTAACTCACACCAAGCCCTCCGCAAAGAATCTGGCTC-3'
Protein context (NP_001374619.1, residues 496-516): DLPRIQLDIV[Thr506Ala]TADFLDVLTH

ClinVar aggregate classification (germline): Uncertain significance (1 of 4 stars; one submission).

Submission:

Ambry Genetics
Classification: Uncertain significance. Last evaluated: 2020-09-11. Review status: criteria provided, single submitter. Criteria: Ambry Variant Classification Scheme 2023. Collection method: clinical testing. Allele origin: germline.
Comment: The p.T434A variant (also known as c.1300A>G), located in coding exon 14 of the KATNAL2 gene, results from an A to G substitution at nucleotide position 1300. The threonine at codon 434 is replaced by alanine, an amino acid with similar properties. This amino acid position is highly conserved in available vertebrate species. In addition, the in silico prediction for this alteration is inconclusive. Since supporting evidence is limited at this time, the clinical significance of this alteration remains unclear.